The following is an entry in ClinVar:

NM_001378477.3(NYX):c.1042G>A (p.Gly348Ser)

Gene: NYX (nyctalopin; plus strand). Cytogenetic location: Xp11.4.
Variant type: single nucleotide variant.
Coding change: c.1042G>A on transcript NM_001378477.3 (MANE Select); coding-DNA position 1042, G replaced by A.
Protein change: p.Gly348Ser; replaces glycine 348 with serine.
Molecular consequence: missense variant.
Genome position (GRCh38, 1-based): chrX:41,474,510, G>A. VCF-style: chrX-41474510-G-A. GRCh37 (hg19) VCF-style: chrX-41333763-G-A.
Other names: c.1042G>A, p.Gly348Ser (NM_022567.3); short protein forms G348S.
Identifiers: ClinVar variation 1051414 (VCV001051414.9), dbSNP rs2147026331, ClinGen allele CA412992188.

ClinVar aggregate classification (germline): Uncertain significance (1 of 4 stars; one submission).

Submission:

Labcorp Genetics (formerly Invitae), Labcorp
Classification: Uncertain significance. Last evaluated: 2023-11-13. Review status: criteria provided, single submitter. Criteria: Invitae Variant Classification Sherloc (09022015). Collection method: clinical testing. Allele origin: germline.
Comment: This sequence change replaces glycine, which is neutral and non-polar, with serine, which is neutral and polar, at codon 353 of the NYX protein (p.Gly353Ser). This variant is not present in population databases (gnomAD no frequency). This variant has not been reported in the literature in individuals affected with NYX-related conditions. ClinVar contains an entry for this variant (Variation ID: 1051414). Advanced modeling of protein sequence and biophysical properties (such as structural, functional, and spatial information, amino acid conservation, physicochemical variation, residue mobility, and thermodynamic stability) performed at Invitae indicates that this missense variant is not expected to disrupt NYX protein function with a negative predictive value of 80%. In summary, the available evidence is currently insufficient to determine the role of this variant in disease. Therefore, it has been classified as a Variant of Uncertain Significance.